The following is an entry in ClinVar:

NM_000038.6(APC):c.6209G>T (p.Gly2070Val)

Gene: APC (APC regulator of Wnt signaling pathway; plus strand). Cytogenetic location: 5q22.2.
Variant type: single nucleotide variant.
Coding change: c.6209G>T on transcript NM_000038.6 (MANE Select); coding-DNA position 6209, G replaced by T.
Protein change: p.Gly2070Val; replaces glycine 2070 with valine.
Molecular consequence: missense variant.
Genome position (GRCh38, 1-based): chr5:112,841,803, G>T. VCF-style: chr5-112841803-G-T. GRCh37 (hg19) VCF-style: chr5-112177500-G-T.
Other names: c.5936G>T, p.Gly1979Val (NM_001354902.2); c.5906G>T, p.Gly1969Val (NM_001354903.2, NM_001407458.1, NM_001407459.1 and 1 more transcripts); c.5831G>T, p.Gly1944Val (NM_001354904.2); c.5729G>T, p.Gly1910Val (NM_001354905.2); c.5360G>T, p.Gly1787Val (NM_001354906.2, NM_001407470.1); c.6293G>T, p.Gly2098Val (NM_001407446.1); c.6263G>T, p.Gly2088Val (NM_001407447.1, NM_001407448.1, NM_001354896.2 and 1 more transcripts); c.6209G>T, p.Gly2070Val (NM_001127510.3, NM_001354895.2, NM_001407450.1); and 11 more; short protein forms G1686V, G1787V, G1910V, G1941V, G1944V, G1969V, G1979V, G1987V.
Identifiers: ClinVar variation 2445309 (VCV002445309.3), dbSNP rs2149959709, ClinGen allele CA16034935.

ClinVar aggregate classification (germline): Conflicting classifications of pathogenicity. Review status: criteria provided, conflicting classifications (1 of 4 stars). 2 submissions from 2 submitters: Uncertain significance (1); Benign (1). Last evaluated 2024-01-17.

Conditions:
Hereditary cancer-predisposing syndrome. Also called: Neoplastic Syndromes, Hereditary; Hereditary Cancer Syndrome; Tumor predisposition; Hereditary neoplastic syndrome. Identifiers: Orphanet 140162, MedGen C0027672, MeSH D009386, MONDO:0015356.
Ovarian cancer. Also called: OVARIAN CANCER, SOMATIC. Identifiers: Orphanet 213500, MedGen C1140680, MONDO:0008170, OMIM 167000.

Submissions (2):

Ambry Genetics
Classification: Uncertain significance for Hereditary cancer-predisposing syndrome. Last evaluated: 2024-01-17. Review status: criteria provided, single submitter. Criteria: Ambry Variant Classification Scheme 2023. Collection method: clinical testing. Allele origin: germline.
Comment: The p.G2070V variant (also known as c.6209G>T), located in coding exon 15 of the APC gene, results from a G to T substitution at nucleotide position 6209. The glycine at codon 2070 is replaced by valine, an amino acid with dissimilar properties. This amino acid position is well conserved in available vertebrate species. In addition, in silico predictors for this gene do not accurately predict pathogenicity. Since supporting evidence is limited at this time, the clinical significance of this alteration remains unclear.

Laboratory of Molecular Epidemiology of Birth Defects, West China Second University Hospital, Sichuan University
Classification: Benign for Ovarian cancer. Last evaluated: 2022-01-01. Review status: criteria provided, single submitter. Criteria: ACMG Guidelines, 2015. Collection method: clinical testing. Allele origin: germline. Affected: yes.